The following is an entry in ClinVar:

ClinVar aggregate classification (germline): Uncertain significance (1 of 4 stars; one submission).

Submission:

Labcorp Genetics (formerly Invitae), Labcorp
Classification: Uncertain significance. Last evaluated: 2024-04-24. Review status: criteria provided, single submitter. Criteria: Invitae Variant Classification Sherloc (09022015). Collection method: clinical testing. Allele origin: germline.
Comment: This sequence change affects codon 427 of the FH mRNA. It is a 'silent' change, meaning that it does not change the encoded amino acid sequence of the FH protein. This variant is not present in population databases (gnomAD no frequency). This variant has not been reported in the literature in individuals affected with FH-related conditions. Algorithms developed to predict the effect of sequence changes on RNA splicing suggest that this variant may create or strengthen a splice site. In summary, the available evidence is currently insufficient to determine the role of this variant in disease. Therefore, it has been classified as a Variant of Uncertain Significance.

NM_000143.4(FH):c.1281A>G (p.Ser427=)

Gene: FH (fumarate hydratase; minus strand). Cytogenetic location: 1q43.
Variant type: single nucleotide variant.
Coding change: c.1281A>G on transcript NM_000143.4 (MANE Select); coding-DNA position 1281, A replaced by G.
Protein change: p.Ser427=; no amino-acid change (serine 427 retained).
Molecular consequence: synonymous variant.
Genome position (GRCh38, 1-based): chr1:241,500,546, T>C on the plus strand (A>G on the coding strand, the complement: FH is on the minus strand). VCF-style: chr1-241500546-T-C. GRCh37 (hg19) VCF-style: chr1-241663846-T-C.
Identifiers: ClinVar variation 3650685 (VCV003650685.2).